The following is an entry in ClinVar:

NM_000064.4(C3):c.4157T>C (p.Leu1386Pro)

Gene: C3 (complement C3; minus strand). Cytogenetic location: 19p13.3.
Variant type: single nucleotide variant.
Coding change: c.4157T>C on transcript NM_000064.4 (MANE Select); coding-DNA position 4157, T replaced by C.
Protein change: p.Leu1386Pro; replaces leucine 1386 with proline.
Molecular consequence: missense variant.
Genome position (GRCh38, 1-based): chr19:6,684,403, A>G on the plus strand (T>C on the coding strand, the complement: C3 is on the minus strand). VCF-style: chr19-6684403-A-G. GRCh37 (hg19) VCF-style: chr19-6684414-A-G.
Other names: short protein forms L1386P.
Identifiers: ClinVar variation 3766306 (VCV003766306.2).

ClinVar aggregate classification (germline): Uncertain significance (1 of 4 stars; one submission).

Submission:

GeneDx
Classification: Uncertain significance. Last evaluated: 2026-06-24. Review status: criteria provided, single submitter. Criteria: GeneDx Variant Classification Process June 2021. Collection method: clinical testing. Allele origin: germline.
Comment: Not observed at significant frequency in large population cohorts (gnomAD); In silico analysis supports that this missense variant has a deleterious effect on protein structure/function; Has not been previously published as pathogenic or benign to our knowledge